The following is an entry in ClinVar:

ClinVar aggregate classification (germline): Conflicting classifications of pathogenicity. Review status: criteria provided, conflicting classifications (1 of 4 stars). 2 submissions from 2 submitters: Likely pathogenic (1); Uncertain significance (1). Last evaluated 2026-03-13.

Conditions:
Early-infantile DEE. Also called: Ohtahara syndrome; Early infantile epileptic encephalopathy with suppression bursts; Early infantile epileptic encephalopathy. Identifiers: Orphanet 1934, MedGen C0393706, MONDO:0800491.

Allele frequency attached by ClinVar (database versions not stated): gnomAD exomes below 0.00001; gnomAD 0.00001; TOPMed 0.00001.
gnomAD v4.1: 4 of 1,613,662 alleles (0.00025%); highest among the groups gnomAD compares: Admixed American, 0.005%; no homozygotes.

Submissions (2):

GeneDx
Classification: Uncertain significance. Last evaluated: 2026-03-13. Review status: criteria provided, single submitter. Criteria: GeneDx Variant Classification Process June 2021. Collection method: clinical testing. Allele origin: germline.
Comment: In silico analysis supports that this missense variant has a deleterious effect on protein structure/function; This substitution is predicted to be within the cytoplasmic loop between the second and third homologous domains; Not observed at significant frequency in large population cohorts (gnomAD); This variant is associated with the following publications: (PMID: 32845893, 12773292)

Labcorp Genetics (formerly Invitae), Labcorp
Classification: Likely pathogenic for Early-infantile DEE. Last evaluated: 2025-11-03. Review status: criteria provided, single submitter. Criteria: Invitae Variant Classification Sherloc (09022015). Collection method: clinical testing. Allele origin: germline.
Comment: This sequence change replaces glycine, which is neutral and non-polar, with arginine, which is basic and polar, at codon 1081 of the SCN1A protein (p.Gly1081Arg). This variant is not present in population databases (gnomAD no frequency). This missense change has been observed in individual(s) with clinical features of epileptic encephalopathy with cerebellar atrophy and/or Dravet syndrome (PMID: 12773292; internal data). ClinVar contains an entry for this variant (Variation ID: 1393374). Invitae Evidence Modeling of protein sequence and biophysical properties (such as structural, functional, and spatial information, amino acid conservation, physicochemical variation, residue mobility, and thermodynamic stability) indicates that this missense variant is expected to disrupt SCN1A protein function with a positive predictive value of 95%. In summary, the currently available evidence indicates that the variant is pathogenic, but additional data are needed to prove that conclusively. Therefore, this variant has been classified as Likely Pathogenic.

Literature cited by the submitters: PubMed 12773292 (cited by Labcorp Genetics (formerly Invitae), Labcorp).

NM_001165963.4(SCN1A):c.3241G>A (p.Gly1081Arg)

Genes: SCN1A (sodium voltage-gated channel alpha subunit 1; minus strand), LOC102724058 (uncharacterized LOC102724058; plus strand). Cytogenetic location: 2q24.3.
Variant type: single nucleotide variant.
Coding change: c.3241G>A on transcript NM_001165963.4 (MANE Select); coding-DNA position 3241, G replaced by A.
Protein change: p.Gly1081Arg; replaces glycine 1081 with arginine.
Molecular consequence: missense variant. On other transcripts: non-coding transcript variant (2).
Genome position (GRCh38, 1-based): chr2:166,036,236, C>T on the plus strand (G>A on the coding strand, the complement: SCN1A is on the minus strand). VCF-style: chr2-166036236-C-T. GRCh37 (hg19) VCF-style: chr2-166892746-C-T.
Other names: c.3241G>A (NM_001165963.1); c.3157G>A, p.Gly1053Arg (NM_001165964.3, NM_001353957.2, NM_001353958.2); c.3241G>A, p.Gly1081Arg (NM_001202435.3, NM_001353948.2); c.3208G>A, p.Gly1070Arg (NM_001353949.2, NM_001353950.2, NM_001353951.2 and 2 more transcripts); c.3205G>A, p.Gly1069Arg (NM_001353954.2, NM_001353955.2); c.3154G>A, p.Gly1052Arg (NM_001353960.2); c.799G>A, p.Gly267Arg (NM_001353961.2); short protein forms G1052R, G1070R, G1053R, G1069R, G1081R, G267R.
Identifiers: ClinVar variation 1393374 (VCV001393374.8), dbSNP rs1248613652, ClinGen allele CA349059494.